The following is an entry in ClinVar:

ClinVar aggregate classification (germline): Uncertain significance (1 of 4 stars; one submission).

Submission:

Labcorp Genetics (formerly Invitae), Labcorp
Classification: Uncertain significance. Last evaluated: 2021-12-23. Review status: criteria provided, single submitter. Criteria: Invitae Variant Classification Sherloc (09022015). Collection method: clinical testing. Allele origin: germline.
Comment: In summary, the available evidence is currently insufficient to determine the role of this variant in disease. Therefore, it has been classified as a Variant of Uncertain Significance. Experimental studies and prediction algorithms are not available or were not evaluated, and the functional significance of this variant is currently unknown. This variant has not been reported in the literature in individuals affected with RNLS-related conditions. This variant is a gross deletion of the genomic region encompassing exon(s) 5 of the RNLS gene. This variant would be expected to be in-frame, preserving the integrity of the reading frame.

NC_000010.10:g.(?_90122289)_(90122502_?)del

Gene: RNLS (renalase, FAD dependent amine oxidase; minus strand). Cytogenetic location: 10q23.31.
Variant type: Deletion.
Identifiers: ClinVar variation 2423500 (VCV002423500.4).